The following is an entry in ClinVar:

ClinVar aggregate classification (germline): Pathogenic (1 of 4 stars; one submission).

Submission:

Labcorp Genetics (formerly Invitae), Labcorp
Classification: Pathogenic. Last evaluated: 2022-03-26. Review status: criteria provided, single submitter. Criteria: Invitae Variant Classification Sherloc (09022015). Collection method: clinical testing. Allele origin: germline.
Comment: For these reasons, this variant has been classified as Pathogenic. This variant has not been reported in the literature in individuals affected with ANK1-related conditions. This variant is a gross deletion of the genomic region encompassing exon(s) 2-37 of the ANK1 gene. This deletion is out-of-frame, and is expected to create a premature termination codon and result in an absent or disrupted protein product. Loss-of-function variants in ANK1 are known to be pathogenic (PMID: 8640229).

Literature cited by the submitters: PubMed 8640229.

NC_000008.10:g.(?_41542042)_(41615675_?)del

Gene: ANK1 (ankyrin 1; minus strand). Cytogenetic location: 8p11.21.
Variant type: Deletion.
Identifiers: ClinVar variation 2422166 (VCV002422166.4).